The following is an entry in ClinVar:

NM_001308210.2(TSHZ1):c.1643G>A (p.Gly548Glu)

Gene: TSHZ1 (teashirt zinc finger homeobox 1; plus strand). Cytogenetic location: 18q22.3.
Variant type: single nucleotide variant.
Coding change: c.1643G>A on transcript NM_001308210.2 (MANE Select); coding-DNA position 1643, G replaced by A.
Protein change: p.Gly548Glu; replaces glycine 548 with glutamic acid.
Molecular consequence: missense variant.
Genome position (GRCh38, 1-based): chr18:75,287,050, G>A. VCF-style: chr18-75287050-G-A. GRCh37 (hg19) VCF-style: chr18-72999005-G-A.
Other names: c.1508G>A, p.Gly503Glu (NM_005786.6); short protein forms G503E, G548E.
Identifiers: ClinVar variation 3356189 (VCV003356189.1).

ClinVar aggregate classification (germline): Uncertain significance (0 of 4 stars; one submission).

Conditions:
TSHZ1-related disorder. Also called: TSHZ1-related condition.

gnomAD v4.1: 7 of 1,613,922 alleles (0.00043%); highest among the groups gnomAD compares: South Asian, 0.0033%; no homozygotes.

Submission:

PreventionGenetics, part of Exact Sciences
Classification: Uncertain significance for TSHZ1-related condition. Last evaluated: 2024-09-16. Review status: no assertion criteria provided. Collection method: clinical testing. Allele origin: germline.
Comment: The TSHZ1 c.1508G>A variant is predicted to result in the amino acid substitution p.Gly503Glu. To our knowledge, this variant has not been reported in the literature. This variant is reported in 0.00088% of alleles in individuals of European (Non-Finnish) descent in gnomAD. At this time, the clinical significance of this variant is uncertain due to the absence of conclusive functional and genetic evidence.